The following is an entry in ClinVar:

NM_024809.5(TCTN2):c.1612+282T>G

Gene: TCTN2 (tectonic family member 2; plus strand). Cytogenetic location: 12q24.31.
Variant type: single nucleotide variant.
Coding change: c.1612+282T>G on transcript NM_024809.5 (MANE Select); 282 bases into the intron after coding-DNA position 1612, T replaced by G.
Molecular consequence: intron variant.
Genome position (GRCh38, 1-based): chr12:123,700,092, T>G. VCF-style: chr12-123700092-T-G. GRCh37 (hg19) VCF-style: chr12-124184639-T-G.
Other names: c.1609+282T>G (NM_001143850.3).
Identifiers: ClinVar variation 671927 (VCV000671927.2), dbSNP rs7398152, ClinGen allele CA13605570.

ClinVar aggregate classification (germline): Benign. Review status: criteria provided, multiple submitters, no conflicts (2 of 4 stars). 2 submissions from 2 submitters: Benign (2). Last evaluated 2018-06-19.

Allele frequency attached by ClinVar (database versions not stated): 1000 Genomes Project 0.27216; 1000 Genomes Project 30x 0.27701; gnomAD 0.35851 and 0.36551; TOPMed 0.35883.
gnomAD v4.1: 171,603 of 490,908 alleles (35%); highest among the groups gnomAD compares: African/African-American, 41%; 31,773 homozygotes.

Submissions (2):

GeneDx
Classification: Benign. Last evaluated: 2018-06-19. Review status: criteria provided, single submitter. Criteria: GeneDx Variant Classification (06012015). Collection method: clinical testing. Allele origin: germline. Affected: yes.
Comment: This variant is considered likely benign or benign based on one or more of the following criteria: it is a conservative change, it occurs at a poorly conserved position in the protein, it is predicted to be benign by multiple in silico algorithms, and/or has population frequency not consistent with disease.

Breakthrough Genomics
Classification: Benign. Review status: criteria provided, single submitter. Criteria: ACMG Guidelines, 2015. Collection method: not provided. Allele origin: germline. Inheritance: Autosomal recessive inheritance. Affected: yes.